The following is an entry in ClinVar:

ClinVar aggregate classification (germline): Uncertain significance (1 of 4 stars; one submission).

Conditions:
Bethlem myopathy 1A. Also called: Bethlem myopathy 1; Bethlem Muscular Dystrophy; MYOPATHY, BENIGN CONGENITAL, WITH CONTRACTURES. Identifiers: Orphanet 610, MedGen CN029274, MONDO:0024530, OMIM 158810.

Allele frequency attached by ClinVar (database versions not stated): gnomAD exomes below 0.00001; TOPMed below 0.00001; gnomAD 0.00001.
gnomAD v4.1: 2 of 1,613,670 alleles (0.00012%); highest among the groups gnomAD compares: Non-Finnish European, 0.00017%; no homozygotes.

Submission:

Labcorp Genetics (formerly Invitae), Labcorp
Classification: Uncertain significance for Bethlem myopathy 1A. Last evaluated: 2023-08-14. Review status: criteria provided, single submitter. Criteria: Invitae Variant Classification Sherloc (09022015). Collection method: clinical testing. Allele origin: germline.
Comment: This sequence change replaces isoleucine, which is neutral and non-polar, with phenylalanine, which is neutral and non-polar, at codon 1137 of the COL6A3 protein (p.Ile1137Phe). This variant is not present in population databases (gnomAD no frequency). This variant has not been reported in the literature in individuals affected with COL6A3-related conditions. ClinVar contains an entry for this variant (Variation ID: 1505844). Advanced modeling of protein sequence and biophysical properties (such as structural, functional, and spatial information, amino acid conservation, physicochemical variation, residue mobility, and thermodynamic stability) performed at Invitae indicates that this missense variant is not expected to disrupt COL6A3 protein function. In summary, the available evidence is currently insufficient to determine the role of this variant in disease. Therefore, it has been classified as a Variant of Uncertain Significance.

NM_004369.4(COL6A3):c.3409A>T (p.Ile1137Phe)

Gene: COL6A3 (collagen type VI alpha 3 chain; minus strand). Cytogenetic location: 2q37.3.
Variant type: single nucleotide variant.
Coding change: c.3409A>T on transcript NM_004369.4 (MANE Select); coding-DNA position 3409, A replaced by T.
Protein change: p.Ile1137Phe; replaces isoleucine 1137 with phenylalanine.
Molecular consequence: missense variant.
Genome position (GRCh38, 1-based): chr2:237,374,682, T>A on the plus strand (A>T on the coding strand, the complement: COL6A3 is on the minus strand). VCF-style: chr2-237374682-T-A. GRCh37 (hg19) VCF-style: chr2-238283325-T-A.
Other names: c.2188A>T, p.Ile730Phe (NM_057164.5); c.2791A>T, p.Ile931Phe (NM_057165.5, NM_057167.4); c.1588A>T, p.Ile530Phe (NM_057166.5); short protein forms I1137F, I931F, I730F, I530F.
Identifiers: ClinVar variation 1505844 (VCV001505844.6), dbSNP rs2077785777, ClinGen allele CA351203081.